The following is an entry in ClinVar:

ClinVar aggregate classification (germline): Uncertain significance (1 of 4 stars; one submission).

Submission:

Labcorp Genetics (formerly Invitae), Labcorp
Classification: Uncertain significance. Last evaluated: 2022-08-23. Review status: criteria provided, single submitter. Criteria: Invitae Variant Classification Sherloc (09022015). Collection method: clinical testing. Allele origin: germline.
Comment: In summary, the available evidence is currently insufficient to determine the role of this variant in disease. Therefore, it has been classified as a Variant of Uncertain Significance. Variants that disrupt the consensus splice site are a relatively common cause of aberrant splicing (PMID: 17576681, 9536098). Algorithms developed to predict the effect of sequence changes on RNA splicing suggest that this variant may create or strengthen a splice site. This variant has not been reported in the literature in individuals affected with POLR3A-related conditions. This variant is not present in population databases (gnomAD no frequency). This sequence change falls in intron 28 of the POLR3A gene. It does not directly change the encoded amino acid sequence of the POLR3A protein. It affects a nucleotide within the consensus splice site.

Literature cited by the submitters: PubMed 17576681; PubMed 9536098.

NM_007055.4(POLR3A):c.3756_3759+5dup

Gene: POLR3A (RNA polymerase III subunit A; minus strand). Cytogenetic location: 10q22.3.
Variant type: Duplication.
Coding change: c.3756_3759+5dup on transcript NM_007055.4 (MANE Select); coding-DNA position 3756 through 5 bases into the intron after coding-DNA position 3759, 9 bases duplicated (TGAGGTACC; older notation c.3756_3759+5dupTGAGGTACC).
Molecular consequence: splice donor variant.
Genome position (GRCh38, 1-based): chr10:77,982,149-77,982,157, GGTACCTCA duplicated on the plus strand (TGAGGTACC on the coding strand, the reverse complement: POLR3A is on the minus strand). VCF-style (leftmost placement, unchanged base first): chr10-77982148-T-TGGTACCTCA. GRCh37 (hg19) VCF-style: chr10-79741906-T-TGGTACCTCA.
Identifiers: ClinVar variation 2096392 (VCV002096392.4), dbSNP rs2493184141, ClinGen allele CA2580082016.